The following is an entry in ClinVar:

NM_194248.3(OTOF):c.1597G>C (p.Gly533Arg)

Gene: OTOF (otoferlin; minus strand). Cytogenetic location: 2p23.3.
Variant type: single nucleotide variant.
Coding change: c.1597G>C on transcript NM_194248.3 (MANE Select); coding-DNA position 1597, G replaced by C.
Protein change: p.Gly533Arg; replaces glycine 533 with arginine.
Molecular consequence: missense variant.
Genome position (GRCh38, 1-based): chr2:26,480,992, C>G on the plus strand (G>C on the coding strand, the complement: OTOF is on the minus strand). VCF-style: chr2-26480992-C-G. GRCh37 (hg19) VCF-style: chr2-26703860-C-G.
Other names: c.1597G>C, p.Gly533Arg (NM_001287489.2); short protein forms G533R.
Identifiers: ClinVar variation 4879926 (VCV004879926.1).
Genomic context (GRCh38, chr2:26,480,992, plus strand): 5'-GATGCTCATCCAGCAGCGTGTAGTTACGTGTGGAGCCGTACATGTTCACCCAGGCTGGGC[C>G]CAGTGTGGGCAGGAAGCCTGTGGCAGTGGGAACAAAAATGAGGGGGCAGCGTCACATCCA-3'
Protein context (NP_919224.1, residues 523-543): DGDKGFLPTL[Gly533Arg]PAWVNMYGST

ClinVar aggregate classification (germline): VUS-high (0 of 4 stars; one submission).

Conditions:
Autosomal recessive nonsyndromic hearing loss 9. Also called: NEUROSENSORY NONSYNDROMIC RECESSIVE DEAFNESS 9; OTOF-Related Hearing Loss; Deafness, autosomal recessive 9; AUDITORY NEUROPATHY, AUTOSOMAL RECESSIVE, 1, TEMPERATURE-SENSITIVE. Identifiers: Orphanet 90636, MedGen C1832828, MONDO:0010986, OMIM 601071.

Submission:

Diagnosis and Treatment Center of Genetic Hearing Loss, Eye & ENT Hospital of Fudan University
Classification: VUS-high for Autosomal recessive nonsyndromic hearing loss 9. Last evaluated: 2026-02-04. Review status: no assertion criteria provided. Collection method: clinical testing. Allele origin: germline. Inheritance: Autosomal recessive inheritance. Affected: yes.
Comment: The c.1597G>C missense variant in OTOF is absent from population databases (PM2_Supporting). The REVEL score is 0.858 (PP3_Moderate).